The following is an entry in ClinVar:

ClinVar aggregate classification (germline): Uncertain significance (1 of 4 stars; one submission).

Allele frequency attached by ClinVar (database versions not stated): gnomAD exomes below 0.00001; TOPMed below 0.00001; gnomAD 0.00001; ExAC 0.00003; ESP Exome Variant Server 0.00008.
gnomAD v4.1: 8 of 1,614,112 alleles (0.0005%); highest among the groups gnomAD compares: Admixed American, 0.0067%; no homozygotes.

Submission:

GeneDx
Classification: Uncertain significance. Last evaluated: 2022-11-17. Review status: criteria provided, single submitter. Criteria: GeneDx Variant Classification Process June 2021. Collection method: clinical testing. Allele origin: germline. Affected: yes.
Comment: Not observed at significant frequency in large population cohorts (gnomAD); In silico analysis supports that this missense variant has a deleterious effect on protein structure/function; Has not been previously published as pathogenic or benign to our knowledge

NM_003560.4(PLA2G6):c.557G>A (p.Gly186Glu)

Gene: PLA2G6 (phospholipase A2 group VI; minus strand). Cytogenetic location: 22q13.1.
Variant type: single nucleotide variant.
Coding change: c.557G>A on transcript NM_003560.4 (MANE Select); coding-DNA position 557, G replaced by A.
Protein change: p.Gly186Glu; replaces glycine 186 with glutamic acid.
Molecular consequence: missense variant.
Genome position (GRCh38, 1-based): chr22:38,143,157, C>T on the plus strand (G>A on the coding strand, the complement: PLA2G6 is on the minus strand). VCF-style: chr22-38143157-C-T. GRCh37 (hg19) VCF-style: chr22-38539164-C-T.
Other names: c.557G>A, p.Gly186Glu (NM_001004426.3, NM_001199562.3, NM_001349864.2 and 2 more transcripts); c.23G>A, p.Gly8Glu (NM_001349867.2, NM_001349869.2); c.67G>A, p.Glu23Lys (NM_001349868.2); short protein forms E23K, G186E, G8E.
Identifiers: ClinVar variation 1803665 (VCV001803665.1), dbSNP rs373868871, ClinGen allele CA10231233.